The following is an entry in ClinVar:

ClinVar aggregate classification (germline): Uncertain significance (1 of 4 stars; one submission).

Conditions:
Vici syndrome (VICIS). Identifiers: Orphanet 1493, MedGen C1855772, MONDO:0009452, OMIM 242840.

gnomAD v4.1: 15 of 1,614,034 alleles (0.00093%); highest among the groups gnomAD compares: African/African-American, 0.0027%; no homozygotes.

Submission:

Labcorp Genetics (formerly Invitae), Labcorp
Classification: Uncertain significance for Vici syndrome. Last evaluated: 2022-03-23. Review status: criteria provided, single submitter. Criteria: Invitae Variant Classification Sherloc (09022015). Collection method: clinical testing. Allele origin: germline.
Comment: This sequence change replaces arginine, which is basic and polar, with cysteine, which is neutral and slightly polar, at codon 2504 of the EPG5 protein (p.Arg2504Cys). This variant is present in population databases (no rsID available, gnomAD 0.004%). This variant has not been reported in the literature in individuals affected with EPG5-related conditions. Algorithms developed to predict the effect of missense changes on protein structure and function are either unavailable or do not agree on the potential impact of this missense change (SIFT: "Deleterious"; PolyPhen-2: "Probably Damaging"; Align-GVGD: "Class C0"). In summary, the available evidence is currently insufficient to determine the role of this variant in disease. Therefore, it has been classified as a Variant of Uncertain Significance.

NM_020964.3(EPG5):c.7510C>T (p.Arg2504Cys)

Gene: EPG5 (ectopic P-granules 5 autophagy tethering factor; minus strand). Cytogenetic location: 18q12.3.
Variant type: single nucleotide variant.
Coding change: c.7510C>T on transcript NM_020964.3 (MANE Select); coding-DNA position 7510, C replaced by T.
Protein change: p.Arg2504Cys; replaces arginine 2504 with cysteine.
Molecular consequence: missense variant.
Genome position (GRCh38, 1-based): chr18:45,855,620, G>A on the plus strand (C>T on the coding strand, the complement: EPG5 is on the minus strand). VCF-style: chr18-45855620-G-A. GRCh37 (hg19) VCF-style: chr18-43435585-G-A.
Other names: c.7510C>T, p.Arg2504Cys (NM_001410858.1); c.7507C>T, p.Arg2503Cys (NM_001410859.1); short protein forms R2503C, R2504C.
Identifiers: ClinVar variation 2065808 (VCV002065808.1), dbSNP rs921463655, ClinGen allele CA402335615.
Genomic context (GRCh38, chr18:45,855,620, plus strand): 5'-TGTATATACTGACCTGCTGAGCTTTGGGGGTCAGATGTAATTCAGAGCCAGGCCTCAAAC[G>A]GATCTGATCTTCCATAGGAACCTGAACTGAAAGGAAGGCAGCCATGCTTCGGGCAACCAC-3'
Protein context (NP_066015.2, residues 2494-2514): SVQVPMEDQI[Arg2504Cys]LRPGSELHLT